The following is an entry in ClinVar:

NM_198576.4(AGRN):c.4397G>T (p.Gly1466Val)

Gene: AGRN (agrin; plus strand). Cytogenetic location: 1p36.33.
Variant type: single nucleotide variant.
Coding change: c.4397G>T on transcript NM_198576.4 (MANE Select); coding-DNA position 4397, G replaced by T.
Protein change: p.Gly1466Val; replaces glycine 1466 with valine.
Molecular consequence: missense variant.
Genome position (GRCh38, 1-based): chr1:1,049,334, G>T. VCF-style: chr1-1049334-G-T. GRCh37 (hg19) VCF-style: chr1-984714-G-T.
Other names: c.4397G>T, p.Gly1466Val (NM_001305275.2); c.4082G>T, p.Gly1361Val (NM_001364727.2); short protein forms G1361V, G1466V.
Identifiers: ClinVar variation 2061960 (VCV002061960.4), dbSNP rs1436879072, ClinGen allele CA337777255.
Genomic context (GRCh38, chr1:1,049,334, plus strand): 5'-CCGTGCCGGTAGAGCCGGGCCAGTGGCACCGCCTGGAGCTGTCCCGGCACTGGCGCCGGG[G>T]CACCCTCTCGGTGGATGGTGAGACCCCTGTTCTGGGCGAGAGTCCCAGTGGCACCGACGG-3'
Protein context (NP_940978.2, residues 1456-1476): RLELSRHWRR[Gly1466Val]TLSVDGETPV

ClinVar aggregate classification (germline): Uncertain significance (1 of 4 stars; one submission).

Conditions:
Congenital myasthenic syndrome 8. Also called: MYASTHENIC SYNDROME, CONGENITAL, DUE TO AGRIN DEFICIENCY; Myasthenic syndrome, congenital, 8, with pre- and postsynaptic defects. Identifiers: Orphanet 590, MedGen C3808739, MONDO:0014052, OMIM 615120.

Allele frequency attached by ClinVar (database versions not stated): gnomAD exomes below 0.00001.
gnomAD v4.1: 1 of 1,598,084 alleles (0.000063%); highest among the groups gnomAD compares: Middle Eastern, 0.017%; no homozygotes.

Submission:

Labcorp Genetics (formerly Invitae), Labcorp
Classification: Uncertain significance for Congenital myasthenic syndrome 8. Last evaluated: 2021-12-27. Review status: criteria provided, single submitter. Criteria: Invitae Variant Classification Sherloc (09022015). Collection method: clinical testing. Allele origin: germline.
Comment: In summary, the available evidence is currently insufficient to determine the role of this variant in disease. Therefore, it has been classified as a Variant of Uncertain Significance. Algorithms developed to predict the effect of missense changes on protein structure and function are either unavailable or do not agree on the potential impact of this missense change (SIFT: "Deleterious"; PolyPhen-2: "Probably Damaging"; Align-GVGD: "Class C0"). This variant has not been reported in the literature in individuals affected with AGRN-related conditions. This variant is not present in population databases (gnomAD no frequency). This sequence change replaces glycine, which is neutral and non-polar, with valine, which is neutral and non-polar, at codon 1466 of the AGRN protein (p.Gly1466Val).